The following is an entry in ClinVar:

NM_006265.3(RAD21):c.1504G>A (p.Val502Ile)

Gene: RAD21 (RAD21 cohesin complex component; minus strand). Cytogenetic location: 8q24.11.
Variant type: single nucleotide variant.
Coding change: c.1504G>A on transcript NM_006265.3 (MANE Select); coding-DNA position 1504, G replaced by A.
Protein change: p.Val502Ile; replaces valine 502 with isoleucine.
Molecular consequence: missense variant.
Genome position (GRCh38, 1-based): chr8:116,850,734, C>T on the plus strand (G>A on the coding strand, the complement: RAD21 is on the minus strand). VCF-style: chr8-116850734-C-T. GRCh37 (hg19) VCF-style: chr8-117862973-C-T.
Other names: short protein forms V502I.
Identifiers: ClinVar variation 1697138 (VCV001697138.3), dbSNP rs2130456238, ClinGen allele CA371996866.

ClinVar aggregate classification (germline): Uncertain significance (1 of 4 stars; one submission).

Submission:

GeneDx
Classification: Uncertain significance. Last evaluated: 2024-09-11. Review status: criteria provided, single submitter. Criteria: GeneDx Variant Classification Process June 2021. Collection method: clinical testing. Allele origin: germline. Affected: yes.
Comment: Not observed at significant frequency in large population cohorts (gnomAD); In silico analysis indicates that this missense variant does not alter protein structure/function; Has not been previously published as pathogenic or benign to our knowledge